The following is an entry in ClinVar:

NM_207346.3(TSEN54):c.325C>G (p.Arg109Gly)

Gene: TSEN54 (tRNA splicing endonuclease subunit 54; plus strand). Cytogenetic location: 17q25.1.
Variant type: single nucleotide variant.
Coding change: c.325C>G on transcript NM_207346.3 (MANE Select); coding-DNA position 325, C replaced by G.
Protein change: p.Arg109Gly; replaces arginine 109 with glycine.
Molecular consequence: missense variant.
Genome position (GRCh38, 1-based): chr17:75,517,200, C>G. VCF-style: chr17-75517200-C-G. GRCh37 (hg19) VCF-style: chr17-73513281-C-G.
Other names: short protein forms R109G.
Identifiers: ClinVar variation 197401 (VCV000197401.22), dbSNP rs148146916, ClinGen allele CA202863.

ClinVar aggregate classification (germline): Benign. Review status: criteria provided, multiple submitters, no conflicts (2 of 4 stars). 5 submissions from 5 submitters: Benign (5). Last evaluated 2026-01-28.

Conditions:
Pontoneocerebellar hypoplasia. Also called: Pontocerebellar hypoplasia; Non-syndromic pontocerebellar hypoplasia. Identifiers: Orphanet 98523, MedGen C1261175, MONDO:0020135.

Allele frequency attached by ClinVar (database versions not stated): gnomAD 0.00053 and 0.00134; TOPMed 0.00070; ESP Exome Variant Server 0.00100; ExAC 0.00557; 1000 Genomes Project 30x 0.00671; 1000 Genomes Project 0.00679.

Submissions (5):

Labcorp Genetics (formerly Invitae), Labcorp
Classification: Benign. Last evaluated: 2026-01-28. Review status: criteria provided, single submitter. Criteria: Invitae Variant Classification Sherloc (09022015). Collection method: clinical testing. Allele origin: germline.

GeneDx
Classification: Benign. Last evaluated: 2021-04-23. Review status: criteria provided, single submitter. Criteria: GeneDx Variant Classification Process June 2021. Collection method: clinical testing. Allele origin: germline. Affected: yes.

Genetic Services Laboratory, University of Chicago
Classification: Benign. Last evaluated: 2021-03-05. Review status: criteria provided, single submitter. Criteria: ACMG Guidelines, 2015. Collection method: clinical testing. Allele origin: germline. Affected: no.

Illumina Laboratory Services, Illumina
Classification: Benign for Pontoneocerebellar hypoplasia. Last evaluated: 2018-01-13. Review status: criteria provided, single submitter. Criteria: ICSL Variant Classification Criteria 13 December 2019. Collection method: clinical testing. Allele origin: germline.
Comment: This variant was observed in the ICSL laboratory as part of a predisposition screen in an ostensibly healthy population. It had not been previously curated by ICSL or reported in the Human Gene Mutation Database (HGMD: prior to June 1st, 2018), and was therefore a candidate for classification through an automated scoring system. Utilizing variant allele frequency, disease prevalence and penetrance estimates, and inheritance mode, an automated score was calculated to assess if this variant is too frequent to cause the disease. Based on the score and internal cut-off values, a variant classified as benign is not then subjected to further curation. The score for this variant resulted in a classification of benign for this disease.

Eurofins Ntd Llc (ga)
Classification: Benign. Last evaluated: 2014-12-18. Review status: criteria provided, single submitter. Criteria: EGL Classification Definitions 2015. Collection method: clinical testing. Allele origin: germline. Observed: 5 variant alleles, 5 heterozygotes.